The following is an entry in ClinVar:

ClinVar aggregate classification (germline): Uncertain significance. Review status: criteria provided, multiple submitters, no conflicts (2 of 4 stars). 2 submissions from 2 submitters: Uncertain significance (2). Last evaluated 2025-01-27.

Conditions:
Hereditary spastic paraplegia 8 (SPG8). Also called: SPASTIC PARAPLEGIA 8, AUTOSOMAL DOMINANT. Identifiers: Orphanet 100989, MedGen C1863704, MONDO:0011339, OMIM 603563.
Ritscher-Schinzel syndrome. Also called: CRANIOCEREBELLOCARDIAC DYSPLASIA. Identifiers: Orphanet 7, MedGen C0796137, MONDO:0019078.

Allele frequency attached by ClinVar (database versions not stated): ExAC 0.00002; gnomAD exomes 0.00001; TOPMed 0.00001.
gnomAD v4.1: 11 of 1,602,234 alleles (0.00069%); highest among the groups gnomAD compares: Middle Eastern, 0.066%; no homozygotes.

Submissions (2):

GeneDx
Classification: Uncertain significance. Last evaluated: 2025-01-27. Review status: criteria provided, single submitter. Criteria: GeneDx Variant Classification Process June 2021. Collection method: clinical testing. Allele origin: germline. Affected: yes.
Comment: In silico analysis indicates that this missense variant does not alter protein structure/function; Has not been previously published as pathogenic or benign to our knowledge

Labcorp Genetics (formerly Invitae), Labcorp
Classification: Uncertain significance for Ritscher-Schinzel syndrome; Hereditary spastic paraplegia 8. Last evaluated: 2023-07-26. Review status: criteria provided, single submitter. Criteria: Invitae Variant Classification Sherloc (09022015). Collection method: clinical testing. Allele origin: germline.
Comment: This sequence change replaces isoleucine, which is neutral and non-polar, with valine, which is neutral and non-polar, at codon 89 of the WASHC5 protein (p.Ile89Val). This variant is present in population databases (rs775264697, gnomAD 0.006%). This variant has not been reported in the literature in individuals affected with WASHC5-related conditions. Advanced modeling of protein sequence and biophysical properties (such as structural, functional, and spatial information, amino acid conservation, physicochemical variation, residue mobility, and thermodynamic stability) performed at Invitae indicates that this missense variant is not expected to disrupt WASHC5 protein function. In summary, the available evidence is currently insufficient to determine the role of this variant in disease. Therefore, it has been classified as a Variant of Uncertain Significance.

NM_014846.4(WASHC5):c.265A>G (p.Ile89Val)

Gene: WASHC5 (WASH complex subunit 5; minus strand). Cytogenetic location: 8q24.13.
Variant type: single nucleotide variant.
Coding change: c.265A>G on transcript NM_014846.4 (MANE Select); coding-DNA position 265, A replaced by G.
Protein change: p.Ile89Val; replaces isoleucine 89 with valine.
Molecular consequence: missense variant. On other transcripts: 5 prime UTR variant (1).
Genome position (GRCh38, 1-based): chr8:125,083,180, T>C on the plus strand (A>G on the coding strand, the complement: WASHC5 is on the minus strand). VCF-style: chr8-125083180-T-C. GRCh37 (hg19) VCF-style: chr8-126095422-T-C.
Other names: c.265A>G (NM_014846.3); c.-180A>G (NM_001330609.2); short protein forms I89V.
Identifiers: ClinVar variation 2930083 (VCV002930083.4), dbSNP rs775264697, ClinGen allele CA4874169.